The following is an entry in ClinVar:

NM_002185.5(IL7R):c.493del (p.His165fs)

Gene: IL7R (interleukin 7 receptor; plus strand). Cytogenetic location: 5p13.2.
Variant type: Deletion.
Coding change: c.493del on transcript NM_002185.5 (MANE Select); coding-DNA position 493, one base deleted (C; older notation c.493delC).
Protein change: p.His165fs; shifts the reading frame from histidine 165.
Molecular consequence: frameshift variant. On other transcripts: non-coding transcript variant (1).
Genome position (GRCh38, 1-based): chr5:35,871,169, C deleted. VCF-style (leftmost placement, unchanged base first): chr5-35871168-GC-G. GRCh37 (hg19) VCF-style: chr5-35871270-GC-G.
Other names: c.493del, p.His165fs (NM_001410734.1); short protein forms H165fs.
Identifiers: ClinVar variation 2734714 (VCV002734714.3), dbSNP rs2531570514, ClinGen allele CA2695202698.

ClinVar aggregate classification (germline): Pathogenic (1 of 4 stars; one submission).

Conditions:
Immunodeficiency 104. Also called: Severe combined immunodeficiency, autosomal recessive, T cell-negative, B cell-positive, NK cell-positive; IMMUNODEFICIENCY 104, SEVERE COMBINED; SCID, AUTOSOMAL RECESSIVE, T CELL-NEGATIVE, B CELL-POSITIVE, NK CELL-POSITIVE; Severe Combined Immune Deficiency, Autosomal Recessive, TCell -Negative, B Cell-Positive, NK Cell-Positive, IL7R-Related. Identifiers: MedGen C5676890, MONDO:0012163, OMIM 608971.

Submission:

Labcorp Genetics (formerly Invitae), Labcorp
Classification: Pathogenic for Immunodeficiency 104. Last evaluated: 2023-08-16. Review status: criteria provided, single submitter. Criteria: Invitae Variant Classification Sherloc (09022015). Collection method: clinical testing. Allele origin: germline.
Comment: For these reasons, this variant has been classified as Pathogenic. This premature translational stop signal has been observed in individual(s) with severe combined immunodeficiency (PMID: 27807805). This variant is not present in population databases (gnomAD no frequency). This sequence change creates a premature translational stop signal (p.His165Thrfs*3) in the IL7R gene. It is expected to result in an absent or disrupted protein product. Loss-of-function variants in IL7R are known to be pathogenic (PMID: 21664875, 26123418).

Literature cited by the submitters: PubMed 27807805; PubMed 21664875; PubMed 26123418.